The following is an entry in ClinVar:

NM_001611.5(ACP5):c.672_673inv (p.Arg225Trp)

Gene: ACP5 (acid phosphatase 5, tartrate resistant; minus strand). Cytogenetic location: 19p13.2.
Variant type: Inversion.
Coding change: c.672_673inv on transcript NM_001611.5 (MANE Select).
Protein change: p.Arg225Trp; replaces arginine 225 with tryptophan.
Molecular consequence: missense variant.
Genome position: GRCh38 VCF-style: chr19-11576305-GT-AC. GRCh37 (hg19) VCF-style: chr19-11687120-GT-AC.
Other names: c.672_673inv, p.Arg225Trp (NM_001111034.3, NM_001111035.3, NM_001111036.3 and 1 more transcripts); short protein forms R225W.
Identifiers: ClinVar variation 2008388 (VCV002008388.4), ClinGen allele CA2580096448.
Genomic context (GRCh38, chr19:11,576,305, plus strand): 5'-GCAGATTGTGATCGTGGCCGCACAGGTAGGCAGTGACCCCGTATGTGGCCAGCAGTGGCC[GT>AC]AGCTGCTTGACCAGGCAGTGGGTAGGCCCGTGCTCGGCTATGGACCACACGGGGTAGTGG-3'
Protein context (NP_001602.1, residues 215-235): GPTHCLVKQL[Arg225Trp]PLLATYGVTA

ClinVar aggregate classification (germline): Uncertain significance (1 of 4 stars; one submission).

Conditions:
Spondyloenchondrodysplasia with immune dysregulation (SPENCDI). Also called: SPONDYLOENCHONDRODYSPLASIA WITH OR WITHOUT IMMUNE DYSREGULATION; COMBINED IMMUNODEFICIENCY WITH AUTOIMMUNITY AND SPONDYLOMETAPHYSEAL DYSPLASIA; ROIFMAN IMMUNOSKELETAL SYNDROME. Identifiers: Orphanet 1855, MedGen C1842763, MONDO:0011939, OMIM 607944.

Submission:

Labcorp Genetics (formerly Invitae), Labcorp
Classification: Uncertain significance for Spondyloenchondrodysplasia with immune dysregulation. Last evaluated: 2022-07-16. Review status: criteria provided, single submitter. Criteria: Invitae Variant Classification Sherloc (09022015). Collection method: clinical testing. Allele origin: germline.
Comment: This sequence change replaces arginine, which is basic and polar, with tryptophan, which is neutral and slightly polar, at codon 225 of the ACP5 protein (p.Arg225Trp). Information on the frequency of this variant in the gnomAD database is not available, as this variant may be reported differently in the database. This variant has not been reported in the literature in individuals affected with ACP5-related conditions. Experimental studies and prediction algorithms are not available or were not evaluated, and the functional significance of this variant is currently unknown. In summary, the available evidence is currently insufficient to determine the role of this variant in disease. Therefore, it has been classified as a Variant of Uncertain Significance.